The following is an entry in ClinVar:

ClinVar aggregate classification (germline): Uncertain significance (1 of 4 stars; one submission).

Conditions:
PLXNA2-related disorder. Also called: PLXNA2-related condition.

gnomAD v4.1: 63 of 1,612,684 alleles (0.0039%); highest among the groups gnomAD compares: South Asian, 0.014%; no homozygotes.

Submission:

PreventionGenetics, part of Exact Sciences
Classification: Uncertain significance for PLXNA2-related condition. Last evaluated: 2026-03-05. Review status: criteria provided, single submitter. Criteria: ACMG Guidelines, 2015. Collection method: clinical testing. Allele origin: germline.
Comment: The PLXNA2 c.3051G>A variant is not predicted to result in an amino acid change (p.=). This variant is predicted to alter splicing based on available splicing prediction programs (SpliceAI, Jaganathan et al. 2019. PubMed ID: 30661751). To our knowledge, this variant has not been reported in the literature. This variant is reported in 0.015% of alleles in individuals of East Asian descent in gnomAD. At this time, the clinical significance of this variant is uncertain due to the absence of conclusive functional and genetic evidence.

NM_025179.4(PLXNA2):c.3051G>A (p.Pro1017=)

Gene: PLXNA2 (plexin A2; minus strand). Cytogenetic location: 1q32.2.
Variant type: single nucleotide variant.
Coding change: c.3051G>A on transcript NM_025179.4 (MANE Select); coding-DNA position 3051, G replaced by A.
Protein change: p.Pro1017=; no amino-acid change (proline 1017 retained).
Molecular consequence: synonymous variant.
Genome position (GRCh38, 1-based): chr1:208,051,366, C>T on the plus strand (G>A on the coding strand, the complement: PLXNA2 is on the minus strand). VCF-style: chr1-208051366-C-T. GRCh37 (hg19) VCF-style: chr1-208224711-C-T.
Identifiers: ClinVar variation 4989988 (VCV004989988.1).